The following is an entry in ClinVar:

NM_005228.5(EGFR):c.1006+3A>G

Gene: EGFR (epidermal growth factor receptor; plus strand). Cytogenetic location: 7p11.2.
Variant type: single nucleotide variant.
Coding change: c.1006+3A>G on transcript NM_005228.5 (MANE Select); 3 bases into the intron after coding-DNA position 1006, A replaced by G.
Molecular consequence: intron variant.
Genome position (GRCh38, 1-based): chr7:55,155,949, A>G. VCF-style: chr7-55155949-A-G. GRCh37 (hg19) VCF-style: chr7-55223642-A-G.
Other names: c.871+3A>G (NM_001346899.2, NM_001346897.2); c.205+3A>G (NM_001346941.2); c.1006+3A>G (NM_001346898.2, NM_201284.2, NM_201282.2 and 1 more transcripts); c.847+3A>G (NM_001346900.2).
Identifiers: ClinVar variation 3661914 (VCV003661914.2).

ClinVar aggregate classification (germline): Uncertain significance (1 of 4 stars; one submission).

Conditions:
EGFR-related lung cancer (EGFR). Identifiers: MedGen CN130014.

Submission:

Labcorp Genetics (formerly Invitae), Labcorp
Classification: Uncertain significance for EGFR-related lung cancer. Last evaluated: 2024-08-11. Review status: criteria provided, single submitter. Criteria: Invitae Variant Classification Sherloc (09022015). Collection method: clinical testing. Allele origin: germline.
Comment: This sequence change falls in intron 8 of the EGFR gene. It does not directly change the encoded amino acid sequence of the EGFR protein. It affects a nucleotide within the consensus splice site. This variant is not present in population databases (gnomAD no frequency). This variant has not been reported in the literature in individuals affected with EGFR-related conditions. Variants that disrupt the consensus splice site are a relatively common cause of aberrant splicing (PMID: 17576681, 9536098). Algorithms developed to predict the effect of sequence changes on RNA splicing suggest that this variant may disrupt the consensus splice site. In summary, the available evidence is currently insufficient to determine the role of this variant in disease. Therefore, it has been classified as a Variant of Uncertain Significance.

Literature cited by the submitters: PubMed 17576681; PubMed 9536098.